The following is an entry in ClinVar:

ClinVar aggregate classification (germline): Uncertain significance (1 of 4 stars; one submission).

Conditions:
Familial cold autoinflammatory syndrome 3 (FCAS3). Also called: FAMILIAL ATYPICAL COLD URTICARIA; ANTIBODY DEFICIENCY AND IMMUNE DYSREGULATION, PLCG2-ASSOCIATED. Identifiers: Orphanet 300359, MedGen C3280914, MONDO:0013766, OMIM 614468.

Submission:

Labcorp Genetics (formerly Invitae), Labcorp
Classification: Uncertain significance for Familial cold autoinflammatory syndrome 3. Last evaluated: 2023-11-24. Review status: criteria provided, single submitter. Criteria: Invitae Variant Classification Sherloc (09022015). Collection method: clinical testing. Allele origin: germline.
Comment: This sequence change falls in intron 4 of the PLCG2 gene. It does not directly change the encoded amino acid sequence of the PLCG2 protein. It affects a nucleotide within the consensus splice site. This variant is not present in population databases (gnomAD no frequency). This variant has not been reported in the literature in individuals affected with PLCG2-related conditions. Variants that disrupt the consensus splice site are a relatively common cause of aberrant splicing (PMID: 17576681, 9536098). Algorithms developed to predict the effect of sequence changes on RNA splicing suggest that this variant is not likely to affect RNA splicing. In summary, the available evidence is currently insufficient to determine the role of this variant in disease. Therefore, it has been classified as a Variant of Uncertain Significance.

Literature cited by the submitters: PubMed 17576681; PubMed 9536098.

NM_002661.5(PLCG2):c.431+6T>C

Gene: PLCG2 (phospholipase C gamma 2; plus strand). Cytogenetic location: 16q23.3.
Variant type: single nucleotide variant.
Coding change: c.431+6T>C on transcript NM_002661.5 (MANE Select); 6 bases into the intron after coding-DNA position 431, T replaced by C.
Molecular consequence: intron variant.
Genome position (GRCh38, 1-based): chr16:81,858,362, T>C. VCF-style: chr16-81858362-T-C. GRCh37 (hg19) VCF-style: chr16-81891967-T-C.
Identifiers: ClinVar variation 2856218 (VCV002856218.3), dbSNP rs2507520317, ClinGen allele CA2739266911.